The following is an entry in ClinVar:

NM_002133.3(HMOX1):c.514A>G (p.Ile172Val)

Gene: HMOX1 (heme oxygenase 1; plus strand). Cytogenetic location: 22q12.3.
Variant type: single nucleotide variant.
Coding change: c.514A>G on transcript NM_002133.3 (MANE Select); coding-DNA position 514, A replaced by G.
Protein change: p.Ile172Val; replaces isoleucine 172 with valine.
Molecular consequence: missense variant.
Genome position (GRCh38, 1-based): chr22:35,387,054, A>G. VCF-style: chr22-35387054-A-G. GRCh37 (hg19) VCF-style: chr22-35783047-A-G.
Other names: short protein forms I172V.
Identifiers: ClinVar variation 1997157 (VCV001997157.4), dbSNP rs552652411, ClinGen allele CA411352896.

ClinVar aggregate classification (germline): Uncertain significance (1 of 4 stars; one submission).

Allele frequency attached by ClinVar (database versions not stated): gnomAD exomes below 0.00001.
gnomAD v4.1: 4 of 1,613,470 alleles (0.00025%); highest among the groups gnomAD compares: African/African-American, 0.0027%; no homozygotes.

Submission:

Labcorp Genetics (formerly Invitae), Labcorp
Classification: Uncertain significance. Last evaluated: 2024-02-26. Review status: criteria provided, single submitter. Criteria: Invitae Variant Classification Sherloc (09022015). Collection method: clinical testing. Allele origin: germline.
Comment: This sequence change replaces isoleucine, which is neutral and non-polar, with valine, which is neutral and non-polar, at codon 172 of the HMOX1 protein (p.Ile172Val). This variant is present in population databases (no rsID available, gnomAD 0.007%). This variant has not been reported in the literature in individuals affected with HMOX1-related conditions. ClinVar contains an entry for this variant (Variation ID: 1997157). Algorithms developed to predict the effect of missense changes on protein structure and function output the following: SIFT: "Not Available"; PolyPhen-2: "Benign"; Align-GVGD: "Not Available". The valine amino acid residue is found in multiple mammalian species, which suggests that this missense change does not adversely affect protein function. In summary, the available evidence is currently insufficient to determine the role of this variant in disease. Therefore, it has been classified as a Variant of Uncertain Significance.